The following is an entry in ClinVar:

ClinVar aggregate classification (germline): Pathogenic (1 of 4 stars; one submission).

Conditions:
Intellectual developmental disorder, X-linked, syndromic, Claes-Jensen type. Also called: INTELLECTUAL DEVELOPMENTAL DISORDER, X-LINKED, SYNDROMIC 16; MENTAL RETARDATION, X-LINKED, SYNDROMIC 16; Syndromic X-linked intellectual disability Claes-Jensen type. Identifiers: Orphanet 85279, MedGen C1845243, MONDO:0010355, OMIM 300534.

Submission:

Institute of Human Genetics, University of Leipzig Medical Center
Classification: Pathogenic for Intellectual developmental disorder, X-linked, syndromic, Claes-Jensen type. Last evaluated: 2024-07-22. Review status: criteria provided, single submitter. Criteria: ACMG Guidelines, 2015. Collection method: clinical testing. Allele origin: unknown. Inheritance: Autosomal dominant inheritance. Affected: yes.
Comment: Criteria applied: PM2,PVS1(RNA)

NM_004187.5(KDM5C):c.2516+3A>G

Gene: KDM5C (lysine demethylase 5C; minus strand). Cytogenetic location: Xp11.22.
Variant type: single nucleotide variant.
Coding change: c.2516+3A>G on transcript NM_004187.5 (MANE Select); 3 bases into the intron after coding-DNA position 2516, A replaced by G.
Molecular consequence: intron variant.
Genome position (GRCh38, 1-based): chrX:53,198,487, T>C on the plus strand (A>G on the coding strand, the complement: KDM5C is on the minus strand). VCF-style: chrX-53198487-T-C. GRCh37 (hg19) VCF-style: chrX-53227669-T-C.
Other names: c.2516+3A>G (NM_001353984.2, NM_001353978.3, NM_001353981.2); c.2315+3A>G (NM_001146702.2); c.2513+3A>G (NM_001282622.3, NM_001353982.2, NM_001353979.2).
Identifiers: ClinVar variation 3359015 (VCV003359015.3).